The following is an entry in ClinVar:

ClinVar aggregate classification (germline): Uncertain significance. Review status: criteria provided, multiple submitters, no conflicts (2 of 4 stars). 2 submissions from 2 submitters: Uncertain significance (2). Last evaluated 2025-07-01.

gnomAD v4.1: 1 of 1,614,080 alleles (0.000062%); highest among the groups gnomAD compares: Non-Finnish European, 0.000085%; no homozygotes.

Submissions (2):

Mayo Clinic Laboratories, Mayo Clinic
Classification: Uncertain significance. Last evaluated: 2025-07-01. Review status: criteria provided, single submitter. Criteria: ACMG Guidelines, 2015. Collection method: clinical testing. Allele origin: germline. Observed: 1 variant allele.
Comment: BP4_moderate, PM2_supporting

Labcorp Genetics (formerly Invitae), Labcorp
Classification: Uncertain significance. Last evaluated: 2022-09-07. Review status: criteria provided, single submitter. Criteria: Invitae Variant Classification Sherloc (09022015). Collection method: clinical testing. Allele origin: germline.
Comment: In summary, the available evidence is currently insufficient to determine the role of this variant in disease. Therefore, it has been classified as a Variant of Uncertain Significance. Algorithms developed to predict the effect of missense changes on protein structure and function are either unavailable or do not agree on the potential impact of this missense change (SIFT: "Deleterious"; PolyPhen-2: "Benign"; Align-GVGD: "Class C0"). This variant has not been reported in the literature in individuals affected with MSH3-related conditions. This variant is not present in population databases (gnomAD no frequency). This sequence change replaces serine, which is neutral and polar, with phenylalanine, which is neutral and non-polar, at codon 155 of the MSH3 protein (p.Ser155Phe).

NM_002439.5(MSH3):c.464C>T (p.Ser155Phe)

Gene: MSH3 (mutS homolog 3; plus strand). Cytogenetic location: 5q14.1.
Variant type: single nucleotide variant.
Coding change: c.464C>T on transcript NM_002439.5 (MANE Select); coding-DNA position 464, C replaced by T.
Protein change: p.Ser155Phe; replaces serine 155 with phenylalanine.
Molecular consequence: missense variant.
Genome position (GRCh38, 1-based): chr5:80,665,248, C>T. VCF-style: chr5-80665248-C-T. GRCh37 (hg19) VCF-style: chr5-79961067-C-T.
Other names: p.Ser155Phe; short protein forms S155F.
Identifiers: ClinVar variation 1923795 (VCV001923795.6), dbSNP rs1580546664, ClinGen allele CA360263604.
Genomic context (GRCh38, chr5:80,665,248, plus strand): 5'-AAAAATTGAAAGAATTCTGCTGCGATTCTGCCCTTCCTCAAAGTAGAGTCCAGACAGAAT[C>T]TCTGCAGGAGAGATTTGCAGTTCTGCCAAAATGTACTGATTTTGATGATATCAGTCTTCT-3'
Protein context (NP_002430.3, residues 145-165): ALPQSRVQTE[Ser155Phe]LQERFAVLPK